The following is an entry in ClinVar:

NM_001005361.3(DNM2):c.726T>G (p.Ile242Met)

Gene: DNM2 (dynamin 2; plus strand). Cytogenetic location: 19p13.2.
Variant type: single nucleotide variant.
Coding change: c.726T>G on transcript NM_001005361.3 (MANE Select); coding-DNA position 726, T replaced by G.
Protein change: p.Ile242Met; replaces isoleucine 242 with methionine.
Molecular consequence: missense variant.
Genome position (GRCh38, 1-based): chr19:10,782,997, T>G. VCF-style: chr19-10782997-T-G. GRCh37 (hg19) VCF-style: chr19-10893673-T-G.
Other names: c.726T>G, p.Ile242Met (NM_001005360.3, NM_001005362.3, NM_001190716.2 and 1 more transcripts); short protein forms I242M.
Identifiers: ClinVar variation 2760794 (VCV002760794.3), dbSNP rs2513182911, ClinGen allele CA404045126.

ClinVar aggregate classification (germline): Uncertain significance (1 of 4 stars; one submission).

Conditions:
Charcot-Marie-Tooth disease dominant intermediate B (CMTDIB). Also called: Charcot-Marie-Tooth disease dominant intermediate 1; CMT DI1; Charcot-Marie-Tooth disease dominant intermediate I; CHARCOT-MARIE-TOOTH NEUROPATHY, DOMINANT INTERMEDIATE B. Identifiers: Orphanet 100044, Orphanet 228179, MedGen C1847902, MONDO:0011674, OMIM 606482.

Submission:

Labcorp Genetics (formerly Invitae), Labcorp
Classification: Uncertain significance for Charcot-Marie-Tooth disease dominant intermediate B. Last evaluated: 2023-09-15. Review status: criteria provided, single submitter. Criteria: Invitae Variant Classification Sherloc (09022015). Collection method: clinical testing. Allele origin: germline.
Comment: This sequence change replaces isoleucine, which is neutral and non-polar, with methionine, which is neutral and non-polar, at codon 242 of the DNM2 protein (p.Ile242Met). This variant is not present in population databases (gnomAD no frequency). This variant has not been reported in the literature in individuals affected with DNM2-related conditions. Advanced modeling of protein sequence and biophysical properties (such as structural, functional, and spatial information, amino acid conservation, physicochemical variation, residue mobility, and thermodynamic stability) has been performed at Invitae for this missense variant, however the output from this modeling did not meet the statistical confidence thresholds required to predict the impact of this variant on DNM2 protein function. In summary, the available evidence is currently insufficient to determine the role of this variant in disease. Therefore, it has been classified as a Variant of Uncertain Significance.